The following is an entry in ClinVar:

NM_020975.6(RET):c.2509T>C (p.Ser837Pro)

Gene: RET (ret proto-oncogene; plus strand). Cytogenetic location: 10q11.21.
Variant type: single nucleotide variant.
Coding change: c.2509T>C on transcript NM_020975.6 (MANE Select); coding-DNA position 2509, T replaced by C.
Protein change: p.Ser837Pro; replaces serine 837 with proline.
Molecular consequence: missense variant.
Genome position (GRCh38, 1-based): chr10:43,119,647, T>C. VCF-style: chr10-43119647-T-C. GRCh37 (hg19) VCF-style: chr10-43615095-T-C.
Other names: c.1204T>C, p.Ser402Pro (NM_001406791.1); c.1060T>C, p.Ser354Pro (NM_001406792.1, NM_001406793.1, NM_001406794.1); c.2509T>C, p.Ser837Pro (NM_020629.2, NM_020630.7, NM_000323.2 and 4 more transcripts); c.1747T>C, p.Ser583Pro (NM_001355216.2); c.2380T>C, p.Ser794Pro (NM_001406761.1, NM_001406762.1, NM_001406764.1); c.2374T>C, p.Ser792Pro (NM_001406763.1, NM_001406765.1); c.2221T>C, p.Ser741Pro (NM_001406766.1, NM_001406767.1, NM_001406770.1); c.2245T>C, p.Ser749Pro (NM_001406768.1); and 10 more; short protein forms S354P, S402P, S442P, S493P, S495P, S498P, S507P, S538P.
Identifiers: ClinVar variation 3227531 (VCV003227531.1), dbSNP rs2538565555, ClinGen allele CA376556413.
Genomic context (GRCh38, chr10:43,119,647, plus strand): 5'-CGCGAGAGCCGCAAAGTGGGGCCTGGCTACCTGGGCAGTGGAGGCAGCCGCAACTCCAGC[T>C]CCCTGGACCACCCGGATGAGCGGGCCCTCACCATGGGCGACCTCATCTCATTTGCCTGGC-3'
Protein context (NP_066124.1, residues 827-847): LGSGGSRNSS[Ser837Pro]LDHPDERALT

ClinVar aggregate classification (germline): Uncertain significance (1 of 4 stars; one submission).

Conditions:
Hereditary cancer-predisposing syndrome. Also called: Neoplastic Syndromes, Hereditary; Tumor predisposition; Hereditary neoplastic syndrome; Hereditary Cancer Syndrome. Identifiers: Orphanet 140162, MedGen C0027672, MeSH D009386, MONDO:0015356.

Submission:

Ambry Genetics
Classification: Uncertain significance for Hereditary cancer-predisposing syndrome. Last evaluated: 2023-11-23. Review status: criteria provided, single submitter. Criteria: Ambry Variant Classification Scheme 2023. Collection method: clinical testing. Allele origin: germline.
Comment: The p.S837P variant (also known as c.2509T>C), located in coding exon 14 of the RET gene, results from a T to C substitution at nucleotide position 2509. The serine at codon 837 is replaced by proline, an amino acid with similar properties. This amino acid position is conserved. In addition, the in silico prediction for this alteration is inconclusive. Since supporting evidence is limited at this time, the clinical significance of this alteration remains unclear.